The following is an entry in ClinVar:

ClinVar aggregate classification (germline): Benign/Likely benign. Review status: criteria provided, multiple submitters, no conflicts (2 of 4 stars). 2 submissions from 2 submitters: Benign (1); Likely benign (1). Last evaluated 2026-01-24.

Conditions:
CDAN1-related disorder. Also called: CDAN1-related condition.

gnomAD v4.1: 49 of 1,550,696 alleles (0.0032%); highest among the groups gnomAD compares: East Asian, 0.1%; no homozygotes.

Submissions (2):

PreventionGenetics, part of Exact Sciences
Classification: Likely benign for CDAN1-related condition. Last evaluated: 2026-01-24. Review status: criteria provided, single submitter. Criteria: ACMG Guidelines, 2015. Collection method: clinical testing. Allele origin: germline.
Comment: This variant is classified as likely benign based on ACMG/AMP sequence variant interpretation guidelines (Richards et al. 2015 PMID: 25741868, with internal and published modifications).

Labcorp Genetics (formerly Invitae), Labcorp
Classification: Benign. Last evaluated: 2025-07-09. Review status: criteria provided, single submitter. Criteria: Invitae Variant Classification Sherloc (09022015). Collection method: clinical testing. Allele origin: germline.

NM_138477.4(CDAN1):c.111C>G (p.Ala37=)

Genes: CDAN1 (codanin 1; minus strand), LOC130056932 (ATAC-STARR-seq lymphoblastoid silent region 6377; plus strand). Cytogenetic location: 15q15.2.
Variant type: single nucleotide variant.
Coding change: c.111C>G on transcript NM_138477.4 (MANE Select); coding-DNA position 111, C replaced by G.
Protein change: p.Ala37=; no amino-acid change (alanine 37 retained).
Molecular consequence: synonymous variant.
Genome position (GRCh38, 1-based): chr15:42,736,760, G>C on the plus strand (C>G on the coding strand, the complement: CDAN1 is on the minus strand). VCF-style: chr15-42736760-G-C. GRCh37 (hg19) VCF-style: chr15-43028958-G-C.
Other names: c.111C>G (NM_138477.2).
Identifiers: ClinVar variation 3713705 (VCV003713705.3).
Genomic context (GRCh38, chr15:42,736,760, plus strand): 5'-CAGGAAGTTCAACAGGAACGGTACGAATTCTTTCCGCAGGGCCCGGAGTGAGCTCAGCGC[G>C]GCCGCCTCCCCAGCGTTATCCTAGGGCAGAAGCACAGGTGGAGGGGCGAGAGGGTCAGCC-3'
Protein context (NP_612486.2, residues 27-47): QGSEDNAGEA[Ala37=]ALSSLRALRK